The following is an entry in ClinVar:

ClinVar aggregate classification (germline): Uncertain significance (1 of 4 stars; one submission).

Conditions:
RASopathy. Also called: rasopathies; Noonan spectrum disorder. Identifiers: Orphanet 536391, MedGen C5555857, MONDO:0021060.

Submission:

Labcorp Genetics (formerly Invitae), Labcorp
Classification: Uncertain significance for RASopathy. Last evaluated: 2025-02-19. Review status: criteria provided, single submitter. Criteria: Invitae Variant Classification Sherloc (09022015). Collection method: clinical testing. Allele origin: germline.
Comment: This sequence change creates a premature translational stop signal (p.Glu219Valfs*8) in the RAF1 gene. It is expected to result in an absent or disrupted protein product. However, the current clinical and genetic evidence is not sufficient to establish whether loss-of-function variants in RAF1 cause disease. This variant is not present in population databases (gnomAD no frequency). This variant has not been reported in the literature in individuals affected with RAF1-related conditions. In summary, the available evidence is currently insufficient to determine the role of this variant in disease. Therefore, it has been classified as a Variant of Uncertain Significance.

NM_002880.4(RAF1):c.656_657del (p.Glu219fs)

Gene: RAF1 (Raf-1 proto-oncogene, serine/threonine kinase; minus strand). Cytogenetic location: 3p25.2.
Variant type: Microsatellite.
Coding change: c.656_657del on transcript NM_002880.4 (MANE Select); coding-DNA positions 656 to 657, 2 bases deleted (AG; older notation c.656_657delAG).
Protein change: p.Glu219fs; shifts the reading frame from glutamic acid 219.
Molecular consequence: frameshift variant. On other transcripts: non-coding transcript variant (3), intron variant (2).
Genome position (GRCh38, 1-based): chr3:12,606,224-12,606,225, CT deleted on the plus strand (AG on the coding strand, the reverse complement: RAF1 is on the minus strand); deleting any 2 consecutive bases within chr3:12,606,224-12,606,228 gives the same sequence; the c. name uses the placement nearest the transcript's 3' end. VCF-style (leftmost placement, unchanged base first): chr3-12606223-ACT-A. GRCh37 (hg19) VCF-style: chr3-12647722-ACT-A.
Other names: c.656_657del, p.Glu219fs (NM_001354689.3, NM_001354690.3); c.413_414del, p.Glu138fs (NM_001354691.3, NM_001354692.3, NM_001354694.3); c.339-1936_339-1935del (NM_001354695.3); c.582-1936_582-1935del (NM_001354693.3); short protein forms E138fs, E219fs.
Identifiers: ClinVar variation 4744107 (VCV004744107.1).